The following is an entry in ClinVar:

ClinVar aggregate classification (germline): Uncertain significance (1 of 4 stars; one submission).

Conditions:
Ullrich congenital muscular dystrophy 2 (UCMD2). Identifiers: Orphanet 75840, MedGen C4225314, MONDO:0014654, OMIM 616470.
Bethlem myopathy 2 (BTHLM2). Identifiers: Orphanet 536516, Orphanet 610, MedGen C4225313, MONDO:0034022, OMIM 616471.

Submission:

Labcorp Genetics (formerly Invitae), Labcorp
Classification: Uncertain significance for Bethlem myopathy 2; Ullrich congenital muscular dystrophy 2. Last evaluated: 2022-11-22. Review status: criteria provided, single submitter. Criteria: Invitae Variant Classification Sherloc (09022015). Collection method: clinical testing. Allele origin: germline.
Comment: In summary, the available evidence is currently insufficient to determine the role of this variant in disease. Therefore, it has been classified as a Variant of Uncertain Significance. Experimental studies and prediction algorithms are not available or were not evaluated, and the functional significance of this variant is currently unknown. ClinVar contains an entry for this variant (Variation ID: 1395370). This variant has not been reported in the literature in individuals affected with COL12A1-related conditions. This variant is not present in population databases (gnomAD no frequency). This sequence change creates a premature translational stop signal (p.Ser641Glnfs*3) in the COL12A1 gene. Multiple COL12A1 isoforms have been reported, and the functional impact of this variant is uncertain (PMID: 8601036).

Literature cited by the submitters: PubMed 8601036.

NM_004370.6(COL12A1):c.1921del (p.Ser641fs)

Gene: COL12A1 (collagen type XII alpha 1 chain; minus strand). Cytogenetic location: 6q13.
Variant type: Deletion.
Coding change: c.1921del on transcript NM_004370.6 (MANE Select); coding-DNA position 1921, one base deleted (T; older notation c.1921delT).
Protein change: p.Ser641fs; shifts the reading frame from serine 641.
Molecular consequence: frameshift variant. On other transcripts: intron variant (1).
Genome position (GRCh38, 1-based): chr6:75,181,182, A deleted on the plus strand (T on the coding strand, the reverse complement: COL12A1 is on the minus strand); the first of 5 consecutive A bases (chr6:75,181,182-75,181,186); deleting any one gives the same sequence. VCF-style (leftmost placement, unchanged base first): chr6-75181181-GA-G. GRCh37 (hg19) VCF-style: chr6-75890897-GA-G.
Other names: c.73+21538del (NM_080645.3); short protein forms S641fs.
Identifiers: ClinVar variation 1395370 (VCV001395370.6), dbSNP rs2149462293, ClinGen allele CA2573141233.